The following is an entry in ClinVar:

NM_198075.4(LRRC56):c.442A>C (p.Asn148His)

Gene: LRRC56 (leucine rich repeat containing 56; plus strand). Cytogenetic location: 11p15.5.
Variant type: single nucleotide variant.
Coding change: c.442A>C on transcript NM_198075.4 (MANE Select); coding-DNA position 442, A replaced by C.
Protein change: p.Asn148His; replaces asparagine 148 with histidine.
Molecular consequence: missense variant.
Genome position (GRCh38, 1-based): chr11:550,090, A>C. VCF-style: chr11-550090-A-C. GRCh37 (hg19) VCF-style: chr11-550090-A-C.
Other names: short protein forms N148H.
Identifiers: ClinVar variation 2087349 (VCV002087349.4), dbSNP rs2539907685, ClinGen allele CA378940416.

ClinVar aggregate classification (germline): Uncertain significance (1 of 4 stars; one submission).

Submission:

Labcorp Genetics (formerly Invitae), Labcorp
Classification: Uncertain significance. Last evaluated: 2022-07-25. Review status: criteria provided, single submitter. Criteria: Invitae Variant Classification Sherloc (09022015). Collection method: clinical testing. Allele origin: germline.
Comment: In summary, the available evidence is currently insufficient to determine the role of this variant in disease. Therefore, it has been classified as a Variant of Uncertain Significance. Algorithms developed to predict the effect of missense changes on protein structure and function (SIFT, PolyPhen-2, Align-GVGD) all suggest that this variant is likely to be disruptive. This variant has not been reported in the literature in individuals affected with LRRC56-related conditions. This variant is not present in population databases (gnomAD no frequency). This sequence change replaces asparagine, which is neutral and polar, with histidine, which is basic and polar, at codon 148 of the LRRC56 protein (p.Asn148His).